The following is an entry in ClinVar:

NM_017755.6(NSUN2):c.1566del (p.Phe522fs)

Gene: NSUN2 (NOP2/Sun RNA methyltransferase 2; minus strand). Cytogenetic location: 5p15.31.
Variant type: Deletion.
Coding change: c.1566del on transcript NM_017755.6 (MANE Select); coding-DNA position 1566, one base deleted (T; older notation c.1566delT).
Protein change: p.Phe522fs; shifts the reading frame from phenylalanine 522.
Molecular consequence: frameshift variant. On other transcripts: non-coding transcript variant (1).
Genome position (GRCh38, 1-based): chr5:6,606,855, A deleted on the plus strand (T on the coding strand, the reverse complement: NSUN2 is on the minus strand); the first of 3 consecutive A bases (chr5:6,606,855-6,606,857); deleting any one gives the same sequence. VCF-style (leftmost placement, unchanged base first): chr5-6606854-TA-T. GRCh37 (hg19) VCF-style: chr5-6606967-TA-T.
Other names: c.1461del, p.Phe487fs (NM_001193455.2); short protein forms F487fs, F522fs.
Identifiers: ClinVar variation 1705284 (VCV001705284.1), dbSNP rs2477413153, ClinGen allele CA2580073198.

ClinVar aggregate classification (germline): Likely pathogenic (1 of 4 stars; one submission).

Conditions:
Intellectual developmental disorder, autosomal recessive 5. Also called: Intellectual disability, autosomal recessive 5. Identifiers: Orphanet 88616, MedGen C1970199, MONDO:0012613, OMIM 611091.

Submission:

3billion
Classification: Likely pathogenic for Intellectual developmental disorder, autosomal recessive 5. Last evaluated: 2022-09-01. Review status: criteria provided, single submitter. Criteria: ACMG Guidelines, 2015. Collection method: clinical testing. Allele origin: germline. Affected: yes. Observed: 1 heterozygote.
Comment: The variant is not observed in the gnomAD v2.1.1 dataset. It is predicted to result in a loss or disruption of normal protein function through nonsense-mediated decay (NMD) or protein truncation. This variant is classified as Likely pathogenic according to the recommendation of ACMG/AMP guideline.